The following is an entry in ClinVar:

ClinVar aggregate classification (germline): Uncertain significance (1 of 4 stars; one submission).

Conditions:
Welander distal myopathy (WDM). Also called: MUSCULAR DYSTROPHY, DISTAL, LATE-ONSET, AUTOSOMAL DOMINANT; Welander distal myopathy, Swedish type; Distal myopathy, Swedish type; Gower's muscular dystrophy. Identifiers: Orphanet 603, MedGen C0221054, MONDO:0011466, OMIM 604454.

Allele frequency attached by ClinVar (database versions not stated): gnomAD exomes below 0.00001; TOPMed below 0.00001.
gnomAD v4.1: 1 of 1,613,958 alleles (0.000062%); highest among the groups gnomAD compares: Non-Finnish European, 0.000085%; no homozygotes.

Submission:

Labcorp Genetics (formerly Invitae), Labcorp
Classification: Uncertain significance for Welander distal myopathy. Last evaluated: 2024-08-01. Review status: criteria provided, single submitter. Criteria: Invitae Variant Classification Sherloc (09022015). Collection method: clinical testing. Allele origin: germline.
Comment: This sequence change replaces valine, which is neutral and non-polar, with phenylalanine, which is neutral and non-polar, at codon 329 of the TIA1 protein (p.Val329Phe). This variant is not present in population databases (gnomAD no frequency). This variant has not been reported in the literature in individuals affected with TIA1-related conditions. An algorithm developed to predict the effect of missense changes on protein structure and function (PolyPhen-2) suggests that this variant is likely to be disruptive. In summary, the available evidence is currently insufficient to determine the role of this variant in disease. Therefore, it has been classified as a Variant of Uncertain Significance.

NM_022173.4(TIA1):c.985G>T (p.Val329Phe)

Gene: TIA1 (TIA1 cytotoxic granule associated RNA binding protein; minus strand). Cytogenetic location: 2p13.3.
Variant type: single nucleotide variant.
Coding change: c.985G>T on transcript NM_022173.4 (MANE Select); coding-DNA position 985, G replaced by T.
Protein change: p.Val329Phe; replaces valine 329 with phenylalanine.
Molecular consequence: missense variant. On other transcripts: non-coding transcript variant (17).
Genome position (GRCh38, 1-based): chr2:70,214,398, C>A on the plus strand (G>T on the coding strand, the complement: TIA1 is on the minus strand). VCF-style: chr2-70214398-C-A. GRCh37 (hg19) VCF-style: chr2-70441530-C-A.
Other names: c.982G>T, p.Val328Phe (NM_001351508.2); c.958G>T, p.Val320Phe (NM_001351509.2); c.874G>T, p.Val292Phe (NM_001351511.1); c.847G>T, p.Val283Phe (NM_001351512.1); c.841G>T, p.Val281Phe (NM_001351513.1); c.949G>T, p.Val317Phe (NM_001351510.2); c.562G>T, p.Val188Phe (NM_001351517.2); c.565G>T, p.Val189Phe (NM_001351524.2, NM_001351525.2); and 3 more; short protein forms V188F, V292F, V228F, V317F, V328F, V253F, V318F, V329F.
Identifiers: ClinVar variation 2757596 (VCV002757596.3), dbSNP rs780894412, ClinGen allele CA347149985.